The following is an entry in ClinVar:

NM_024675.4(PALB2):c.2748+2T>A

Gene: PALB2 (partner and localizer of BRCA2; minus strand). Cytogenetic location: 16p12.2.
Variant type: single nucleotide variant.
Coding change: c.2748+2T>A on transcript NM_024675.4 (MANE Select); the canonical splice donor site of the intron after coding-DNA position 2748, T replaced by A.
Molecular consequence: splice donor variant. On other transcripts: intron variant (3).
Genome position (GRCh38, 1-based): chr16:23,626,234, A>T on the plus strand (T>A on the coding strand, the complement: PALB2 is on the minus strand). VCF-style: chr16-23626234-A-T. GRCh37 (hg19) VCF-style: chr16-23637555-A-T.
Other names: c.1863+2T>A (NM_001407308.1, NM_001407306.1, NM_001407309.1 and 4 more transcripts); c.282+2T>A (NM_001407314.1); c.960+2T>A (NM_001407313.1, NM_001407312.1); c.2688+2T>A (NM_001407296.1); c.2676+2T>A (NM_001407297.1); c.2587-2140T>A (NM_001407302.1, NM_001407298.1); c.2748+2T>A (NM_001407300.1, NM_001407299.1, NM_001407301.1); c.1702-2140T>A (NM_001407307.1).
Identifiers: ClinVar variation 2673825 (VCV002673825.1), dbSNP rs1060499821, ClinGen allele CA395121812.
Genomic context (GRCh38, chr16:23,626,234, plus strand): 5'-CCCATCTACATTATCAGGCAAATGGCTGCAAAGATCTCTTTCAGCTCGAGATTCCCACTT[A>T]CCTCTGCGAAGTGCCAGGTATAAAGTTTTTCCCACTGCCAAGCATCCAGAGCTTTCCAAA-3'

ClinVar aggregate classification (germline): Likely pathogenic (1 of 4 stars; one submission).

Conditions:
Familial cancer of breast. Also called: Hereditary breast cancer; BREAST CANCER, FAMILIAL; hereditary breast carcinoma. Identifiers: Orphanet 227535, MedGen C0346153, MONDO:0016419, OMIM 114480. Disease mechanism: loss of function.

Submission:

Myriad Genetics, Inc.
Classification: Likely pathogenic for Familial cancer of breast. Last evaluated: 2023-09-13. Review status: criteria provided, single submitter. Criteria: Myriad Autosomal Dominant, Autosomal Recessive and X-Linked Classification Criteria (2023). Collection method: clinical testing. Allele origin: unknown.
Comment: This variant is considered likely pathogenic. This variant occurs within a consensus splice junction and is predicted to result in abnormal mRNA splicing of either an out-of-frame exon or an in-frame exon necessary for protein stability and/or normal function.